The following is an entry in ClinVar:

ClinVar aggregate classification (germline): Uncertain significance. Review status: criteria provided, multiple submitters, no conflicts (2 of 4 stars). 2 submissions from 2 submitters: Uncertain significance (2). Last evaluated 2025-02-03.

Conditions:
Colorectal cancer, hereditary nonpolyposis, type 7. Identifiers: Orphanet 144, MedGen C1858380, MONDO:0013725, OMIM 614385.

Allele frequency attached by ClinVar (database versions not stated): gnomAD exomes below 0.00001.
gnomAD v4.1: 1 of 1,614,126 alleles (0.000062%); highest among the groups gnomAD compares: Non-Finnish European, 0.000085%; no homozygotes.

Submissions (2):

Ambry Genetics
Classification: Uncertain significance. Last evaluated: 2025-02-03. Review status: criteria provided, single submitter. Criteria: Ambry Variant Classification Scheme 2023. Collection method: clinical testing. Allele origin: germline.
Comment: The p.D731G variant (also known as c.2192A>G), located in coding exon 1 of the MLH3 gene, results from an A to G substitution at nucleotide position 2192. The aspartic acid at codon 731 is replaced by glycine, an amino acid with similar properties. This amino acid position is conserved. In addition, this alteration is predicted to be tolerated by in silico analysis. Since supporting evidence is limited at this time, the clinical significance of this alteration remains unclear.

Labcorp Genetics (formerly Invitae), Labcorp
Classification: Uncertain significance for Colorectal cancer, hereditary nonpolyposis, type 7. Last evaluated: 2024-04-24. Review status: criteria provided, single submitter. Criteria: Invitae Variant Classification Sherloc (09022015). Collection method: clinical testing. Allele origin: germline.
Comment: This sequence change replaces aspartic acid, which is acidic and polar, with glycine, which is neutral and non-polar, at codon 731 of the MLH3 protein (p.Asp731Gly). This variant is not present in population databases (gnomAD no frequency). This variant has not been reported in the literature in individuals affected with MLH3-related conditions. ClinVar contains an entry for this variant (Variation ID: 1787435). Algorithms developed to predict the effect of missense changes on protein structure and function output the following: SIFT: "Not Available"; PolyPhen-2: "Benign"; Align-GVGD: "Not Available". The glycine amino acid residue is found in multiple mammalian species, which suggests that this missense change does not adversely affect protein function. In summary, the available evidence is currently insufficient to determine the role of this variant in disease. Therefore, it has been classified as a Variant of Uncertain Significance.

NM_001040108.2(MLH3):c.2192A>G (p.Asp731Gly)

Gene: MLH3 (mutL homolog 3; minus strand). Cytogenetic location: 14q24.3.
Variant type: single nucleotide variant.
Coding change: c.2192A>G on transcript NM_001040108.2 (MANE Select); coding-DNA position 2192, A replaced by G.
Protein change: p.Asp731Gly; replaces aspartic acid 731 with glycine.
Molecular consequence: missense variant.
Genome position (GRCh38, 1-based): chr14:75,047,464, T>C on the plus strand (A>G on the coding strand, the complement: MLH3 is on the minus strand). VCF-style: chr14-75047464-T-C. GRCh37 (hg19) VCF-style: chr14-75514167-T-C.
Other names: c.2192A>G, p.Asp731Gly (NM_014381.3); short protein forms D731G.
Identifiers: ClinVar variation 1787435 (VCV001787435.5), dbSNP rs2503276124, ClinGen allele CA390441241.